The following is an entry in ClinVar:

ClinVar aggregate classification (germline): Likely benign. Review status: criteria provided, multiple submitters, no conflicts (2 of 4 stars). 2 submissions from 2 submitters: Likely benign (2). Last evaluated 2018-06-23.

Submissions (2):

Blueprint Genetics
Classification: Likely benign. Last evaluated: 2018-06-23. Review status: criteria provided, single submitter. Criteria: ACMG Guidelines, 2015. Collection method: clinical testing. Allele origin: germline.

GeneDx
Classification: Likely benign. Last evaluated: 2016-10-13. Review status: criteria provided, single submitter. Criteria: GeneDx Variant Classification (06012015). Collection method: clinical testing. Allele origin: germline. Affected: yes.
Comment: This variant is considered likely benign or benign based on one or more of the following criteria: it is a conservative change, it occurs at a poorly conserved position in the protein, it is predicted to be benign by multiple in silico algorithms, and/or has population frequency not consistent with disease.

NM_022124.6(CDH23):c.6713-1058GAG[7]

Gene: CDH23 (cadherin related 23; plus strand). Cytogenetic location: 10q22.1.
Variant type: Microsatellite.
Coding change: c.6713-1058GAG[7] on transcript NM_022124.6 (MANE Select); seven copies in a row of the 3-base unit GAG starting at c.6713-1058.
Molecular consequence: intron variant. On other transcripts: 5 prime UTR variant (2).
Genome position: GRCh38 VCF-style: chr10-71796045-AGAG-A. GRCh37 (hg19) VCF-style: chr10-73555802-AGAG-A.
Other names: c.6713-1036_6713-1034delAGG (NM_022124.5); c.-41AGG[7] (NM_001171933.1, NM_001171934.1).
Identifiers: ClinVar variation 420700 (VCV000420700.2), dbSNP rs747095097, ClinGen allele CA16618982.